The following is an entry in ClinVar:

NM_003000.3(SDHB):c.696C>T (p.Ala232=)

Gene: SDHB (succinate dehydrogenase complex iron sulfur subunit B; minus strand). Cytogenetic location: 1p36.13.
Variant type: single nucleotide variant.
Coding change: c.696C>T on transcript NM_003000.3 (MANE Select); coding-DNA position 696, C replaced by T.
Protein change: p.Ala232=; no amino-acid change (alanine 232 retained).
Molecular consequence: synonymous variant.
Genome position (GRCh38, 1-based): chr1:17,022,677, G>A on the plus strand (C>T on the coding strand, the complement: SDHB is on the minus strand). VCF-style: chr1-17022677-G-A. GRCh37 (hg19) VCF-style: chr1-17349172-G-A.
Identifiers: ClinVar variation 528754 (VCV000528754.20), dbSNP rs779143585, ClinGen allele CA089710.

ClinVar aggregate classification (germline): Benign/Likely benign. Review status: criteria provided, multiple submitters, no conflicts (2 of 4 stars). 6 submissions from 6 submitters: Benign (1); Likely benign (5). Last evaluated 2025-12-19.

Conditions:
Hereditary cancer-predisposing syndrome. Also called: Hereditary neoplastic syndrome; Neoplastic Syndromes, Hereditary; Hereditary Cancer Syndrome; Tumor predisposition. Identifiers: Orphanet 140162, MedGen C0027672, MeSH D009386, MONDO:0015356.
Hereditary pheochromocytoma and paraganglioma. Also called: Hereditary pheochromocytoma-paraganglioma; Hereditary Paraganglioma-Pheochromocytoma Syndromes; Hereditary paragangliomas and pheochromocytomas. Identifiers: Orphanet 29072, MedGen C4274332, MONDO:0017366.
Pheochromocytoma/paraganglioma syndrome 4. Also called: SDHB-Related Hereditary Paraganglioma-Pheochromocytoma Syndrome; PARAGANGLIOMA, FAMILIAL MALIGNANT; PARAGANGLIOMAS, HEREDITARY EXTRAADRENAL; PHEOCHROMOCYTOMA, FAMILIAL EXTRAADRENAL; Paragangliomas 4; CAROTID BODY TUMORS AND MULTIPLE EXTRAADRENAL PHEOCHROMOCYTOMAS. Identifiers: Orphanet 29072, MedGen C1861848, MONDO:0007273, OMIM 115310.
Pheochromocytoma. Also called: MAX-Related Hereditary Paraganglioma-Pheochromocytoma Syndrome. Identifiers: Orphanet 29072, MedGen C0031511, MONDO:0008233, OMIM 171300, HP:0002666.
Gastrointestinal stromal tumor. Also called: Gastrointestinal stromal tumor, somatic; Gastrointestinal stroma tumor. Identifiers: Orphanet 44890, MedGen C0238198, MeSH D046152, MONDO:0011719, OMIM 606764, HP:0100723.

Allele frequency attached by ClinVar (database versions not stated): TOPMed below 0.00001; ExAC 0.00001; gnomAD exomes 0.00001.
gnomAD v4.1: 7 of 1,613,968 alleles (0.00043%); highest among the groups gnomAD compares: Non-Finnish European, 0.00059%; no homozygotes.

Submissions (6):

Labcorp Genetics (formerly Invitae), Labcorp
Classification: Likely benign for Gastrointestinal stromal tumor; Pheochromocytoma/paraganglioma syndrome 4; Pheochromocytoma. Last evaluated: 2025-12-19. Review status: criteria provided, single submitter. Criteria: Invitae Variant Classification Sherloc (09022015). Collection method: clinical testing. Allele origin: germline.

Myriad Genetics, Inc.
Classification: Benign for Pheochromocytoma/paraganglioma syndrome 4. Last evaluated: 2025-03-13. Review status: criteria provided, single submitter. Criteria: Myriad Autosomal Dominant, Autosomal Recessive and X-Linked Classification Criteria (2023). Collection method: clinical testing. Allele origin: unknown.
Comment: This variant is considered benign. This variant is a silent/synonymous amino acid change and it is not expected to impact splicing.

ARUP Laboratories, Molecular Genetics and Genomics, ARUP Laboratories
Classification: Likely benign. Last evaluated: 2023-10-30. Review status: criteria provided, single submitter. Criteria: ARUP Molecular Germline Variant Investigation Process 2024. Collection method: clinical testing. Allele origin: germline.

Color Diagnostics, LLC DBA Color Health
Classification: Likely benign for Hereditary pheochromocytoma and paraganglioma. Last evaluated: 2023-07-06. Review status: criteria provided, single submitter. Criteria: ACMG Guidelines, 2015. Collection method: clinical testing. Allele origin: germline.

Genetic Services Laboratory, University of Chicago
Classification: Likely benign. Last evaluated: 2020-03-19. Review status: criteria provided, single submitter. Criteria: ACMG Guidelines, 2015. Collection method: clinical testing. Allele origin: germline. Affected: no.

Ambry Genetics
Classification: Likely benign for Hereditary cancer-predisposing syndrome. Last evaluated: 2017-08-18. Review status: criteria provided, single submitter. Criteria: Ambry Variant Classification Scheme 2023. Collection method: clinical testing. Allele origin: germline.